The following is an entry in ClinVar:

ClinVar aggregate classification (germline): Uncertain significance (1 of 4 stars; one submission).

Submission:

GeneDx
Classification: Uncertain significance. Last evaluated: 2025-07-02. Review status: criteria provided, single submitter. Criteria: GeneDx Variant Classification Process June 2021. Collection method: clinical testing. Allele origin: germline. Affected: yes.
Comment: Not observed at significant frequency in large population cohorts (gnomAD); In silico analysis supports a deleterious effect on splicing; Has not been previously published as pathogenic or benign to our knowledge

NM_153252.5(BRWD3):c.4233+3A>T

Gene: BRWD3 (bromodomain and WD repeat domain containing 3; minus strand). Cytogenetic location: Xq21.1.
Variant type: single nucleotide variant.
Coding change: c.4233+3A>T on transcript NM_153252.5 (MANE Select); 3 bases into the intron after coding-DNA position 4233, A replaced by T.
Molecular consequence: intron variant.
Genome position (GRCh38, 1-based): chrX:80,684,007, T>A on the plus strand (A>T on the coding strand, the complement: BRWD3 is on the minus strand). VCF-style: chrX-80684007-T-A. GRCh37 (hg19) VCF-style: chrX-79939506-T-A.
Other names: c.4083+3A>T (NM_001441339.1).
Identifiers: ClinVar variation 4685166 (VCV004685166.1).